The following is an entry in ClinVar:

ClinVar aggregate classification (germline): Benign. Review status: criteria provided, multiple submitters, no conflicts (2 of 4 stars). 2 submissions from 2 submitters: Benign (2). Last evaluated 2018-01-13.

Conditions:
Megaconial type congenital muscular dystrophy (MDCMC). Also called: MUSCULAR DYSTROPHY, CONGENITAL, WITH MITOCHONDRIAL STRUCTURAL ABNORMALITIES; CHKB-Related Muscle Diseases; CHKB-Related Muscular Dystrophy. Identifiers: Orphanet 280671, MedGen C1865233, MONDO:0011246, OMIM 602541.

Allele frequency attached by ClinVar (database versions not stated): gnomAD 0.00016 and 0.00127; TOPMed 0.00035; gnomAD exomes 0.00175 and 0.00504; 1000 Genomes Project 30x 0.00656; 1000 Genomes Project 0.00779; ExAC 0.01674.
gnomAD v4.1: 2,626 of 1,538,714 alleles (0.17%); highest among the groups gnomAD compares: South Asian, 2.4%; 62 homozygotes.

Submissions (2):

Illumina Laboratory Services, Illumina
Classification: Benign for Megaconial type congenital muscular dystrophy. Last evaluated: 2018-01-13. Review status: criteria provided, single submitter. Criteria: ICSL Variant Classification Criteria 13 December 2019. Collection method: clinical testing. Allele origin: germline.
Comment: This variant was observed in the ICSL laboratory as part of a predisposition screen in an ostensibly healthy population. It had not been previously curated by ICSL or reported in the Human Gene Mutation Database (HGMD: prior to June 1st, 2018), and was therefore a candidate for classification through an automated scoring system. Utilizing variant allele frequency, disease prevalence and penetrance estimates, and inheritance mode, an automated score was calculated to assess if this variant is too frequent to cause the disease. Based on the score and internal cut-off values, a variant classified as benign is not then subjected to further curation. The score for this variant resulted in a classification of benign for this disease.

GeneDx
Classification: Benign. Last evaluated: 2016-09-29. Review status: criteria provided, single submitter. Criteria: GeneDx Variant Classification (06012015). Collection method: clinical testing. Allele origin: germline. Affected: yes.
Comment: This variant is considered likely benign or benign based on one or more of the following criteria: it is a conservative change, it occurs at a poorly conserved position in the protein, it is predicted to be benign by multiple in silico algorithms, and/or has population frequency not consistent with disease.

NM_005198.5(CHKB):c.-27G>A

Genes: CHKB-CPT1B (CHKB-CPT1B readthrough (NMD candidate); minus strand), CHKB (choline kinase beta; minus strand). Cytogenetic location: 22q13.33.
Variant type: single nucleotide variant.
Coding change: c.-27G>A on transcript NM_005198.5 (MANE Select); 27 bases upstream of the start codon, G replaced by A.
Molecular consequence: 5 prime UTR variant. On other transcripts: non-coding transcript variant (1).
Genome position (GRCh38, 1-based): chr22:50,582,808, C>T on the plus strand (G>A on the coding strand, the complement: CHKB is on the minus strand). VCF-style: chr22-50582808-C-T. GRCh37 (hg19) VCF-style: chr22-51021237-C-T.
Identifiers: ClinVar variation 342179 (VCV000342179.5), dbSNP rs367729011, ClinGen allele CA10323948.